The following is an entry in ClinVar:

NM_002691.4(POLD1):c.2652C>T (p.Thr884=)

Gene: POLD1 (DNA polymerase delta 1, catalytic subunit; plus strand). Cytogenetic location: 19q13.33.
Variant type: single nucleotide variant.
Coding change: c.2652C>T on transcript NM_002691.4 (MANE Select); coding-DNA position 2652, C replaced by T.
Protein change: p.Thr884=; no amino-acid change (threonine 884 retained).
Molecular consequence: synonymous variant. On other transcripts: non-coding transcript variant (1).
Genome position (GRCh38, 1-based): chr19:50,415,525, C>T. VCF-style: chr19-50415525-C-T. GRCh37 (hg19) VCF-style: chr19-50918782-C-T.
Other names: c.2652C>T, p.Thr884= (NM_001256849.1); c.2730C>T, p.Thr910= (NM_001308632.1).
Identifiers: ClinVar variation 707191 (VCV000707191.16), dbSNP rs1601243241, ClinGen allele CA508305281.
Genomic context (GRCh38, chr19:50,415,525, plus strand): 5'-ACAGGACGTCATCTCGGACCTGCTGTGCAACCGCATCGATATCTCCCAGCTGGTCATCAC[C>T]AAGGAGCTGACCCGCGCGGCCTCCGACTATGCCGGCAAGCAGGCCCACGTGGAGCTGGCC-3'
Protein context (NP_002682.2, residues 874-894): NRIDISQLVI[Thr884=]KELTRAASDY

ClinVar aggregate classification (germline): Conflicting classifications of pathogenicity. Review status: criteria provided, conflicting classifications (1 of 4 stars). 5 submissions from 5 submitters: Uncertain significance (1); Likely benign (4). Last evaluated 2026-01-04.

Conditions:
POLD1-related polyposis and colorectal cancer syndrome (CRCS10). Also called: Colorectal cancer, susceptibility to, 10; Colorectal cancer 10; COLORECTAL CANCER, SUSCEPTIBILITY TO, ON CHROMOSOME 19q. Identifiers: Orphanet 220460, MedGen C2675481, MONDO:0012953, OMIM 612591.
Hereditary cancer-predisposing syndrome. Also called: Hereditary Cancer Syndrome; Hereditary neoplastic syndrome; Neoplastic Syndromes, Hereditary; Tumor predisposition. Identifiers: Orphanet 140162, MedGen C0027672, MeSH D009386, MONDO:0015356.

Allele frequency attached by ClinVar (database versions not stated): gnomAD 0.00001; gnomAD exomes 0.00001; TOPMed 0.00001.
gnomAD v4.1: 5 of 1,613,268 alleles (0.00031%); highest among the groups gnomAD compares: Non-Finnish European, 0.00042%; no homozygotes.

Submissions (5):

Labcorp Genetics (formerly Invitae), Labcorp
Classification: Likely benign for POLD1-related polyposis and colorectal cancer syndrome. Last evaluated: 2026-01-04. Review status: criteria provided, single submitter. Criteria: Invitae Variant Classification Sherloc (09022015). Collection method: clinical testing. Allele origin: germline.

Women's Health and Genetics/Laboratory Corporation of America, LabCorp
Classification: Likely benign. Last evaluated: 2025-12-22. Review status: criteria provided, single submitter. Criteria: LabCorp Variant Classification Summary - May 2015. Collection method: clinical testing. Allele origin: germline.

Laboratory of Genetics, Children's Clinical University Hospital Latvia
Classification: Likely benign. Last evaluated: 2025-02-16. Review status: criteria provided, single submitter. Criteria: ACMG Guidelines, 2015. Collection method: clinical testing. Allele origin: germline. Affected: yes.

GeneDx
Classification: Uncertain significance. Last evaluated: 2020-05-18. Review status: criteria provided, single submitter. Criteria: GeneDx Variant Classification Process June 2021. Collection method: clinical testing. Allele origin: germline. Affected: yes.
Comment: Not observed in large population cohorts (Lek et al., 2016); Has not been previously published as pathogenic or benign to our knowledge; In silico analysis, which includes splice predictors and evolutionary conservation, is inconclusive as to whether the variant alters gene splicing. In the absence of RNA/functional studies, the actual effect of this sequence change is unknown.

Ambry Genetics
Classification: Likely benign for Hereditary cancer-predisposing syndrome. Last evaluated: 2019-05-23. Review status: criteria provided, single submitter. Criteria: Ambry Variant Classification Scheme 2023. Collection method: clinical testing. Allele origin: germline.